The following is an entry in ClinVar:

NM_170606.3(KMT2C):c.1618A>G (p.Thr540Ala)

Gene: KMT2C (lysine methyltransferase 2C; minus strand). Cytogenetic location: 7q36.1.
Variant type: single nucleotide variant.
Coding change: c.1618A>G on transcript NM_170606.3 (MANE Select); coding-DNA position 1618, A replaced by G.
Protein change: p.Thr540Ala; replaces threonine 540 with alanine.
Molecular consequence: missense variant.
Genome position (GRCh38, 1-based): chr7:152,251,942, T>C on the plus strand (A>G on the coding strand, the complement: KMT2C is on the minus strand). VCF-style: chr7-152251942-T-C. GRCh37 (hg19) VCF-style: chr7-151949027-T-C.
Other names: short protein forms T540A.
Identifiers: ClinVar variation 4763504 (VCV004763504.1).

ClinVar aggregate classification (germline): Uncertain significance (1 of 4 stars; one submission).

gnomAD v4.1: 1 of 1,594,734 alleles (0.000063%); no homozygotes.

Submission:

Labcorp Genetics (formerly Invitae), Labcorp
Classification: Uncertain significance. Last evaluated: 2025-12-15. Review status: criteria provided, single submitter. Criteria: Invitae Variant Classification Sherloc (09022015). Collection method: clinical testing. Allele origin: germline.
Comment: This sequence change replaces threonine, which is neutral and polar, with alanine, which is neutral and non-polar, at codon 540 of the KMT2C protein (p.Thr540Ala). This variant is not present in population databases (gnomAD no frequency). This variant has not been reported in the literature in individuals affected with KMT2C-related conditions. Invitae Evidence Modeling of protein sequence and biophysical properties (such as structural, functional, and spatial information, amino acid conservation, physicochemical variation, residue mobility, and thermodynamic stability) indicates that this missense variant is not expected to disrupt KMT2C protein function with a negative predictive value of 80%. In summary, the available evidence is currently insufficient to determine the role of this variant in disease. Therefore, it has been classified as a Variant of Uncertain Significance.